The following is an entry in ClinVar:

ClinVar aggregate classification (germline): Uncertain significance. Review status: criteria provided, multiple submitters, no conflicts (2 of 4 stars). 3 submissions from 3 submitters: Uncertain significance (3). Last evaluated 2025-10-07.

Conditions:
Inborn genetic diseases. Identifiers: MedGen C0950123, MeSH D030342.
Glycogen storage disease, type VII (GSD7). Also called: PFKM DEFICIENCY; TARUI DISEASE; GSD VII; MUSCLE PHOSPHOFRUCTOKINASE DEFICIENCY. Identifiers: Orphanet 371, MedGen C0017926, MONDO:0009295, OMIM 232800.

Allele frequency attached by ClinVar (database versions not stated): ExAC 0.00001; gnomAD exomes 0.00001.
gnomAD v4.1: 14 of 1,614,190 alleles (0.00087%); highest among the groups gnomAD compares: Middle Eastern, 0.016%; no homozygotes.

Submissions (3):

Ambry Genetics
Classification: Uncertain significance for Inborn genetic diseases. Last evaluated: 2025-10-07. Review status: criteria provided, single submitter. Criteria: Ambry Variant Classification Scheme 2023. Collection method: clinical testing. Allele origin: germline.

ARUP Laboratories, Molecular Genetics and Genomics, ARUP Laboratories
Classification: Uncertain significance for Glycogen storage disease, type VII. Last evaluated: 2024-10-11. Review status: criteria provided, single submitter. Criteria: ARUP Molecular Germline Variant Investigation Process 2024. Collection method: clinical testing. Allele origin: germline.
Comment: The PFKM c.2315G>A;p.Arg772Gln variant (rs781161499), to our knowledge, is not reported in the medical literature but is reported in ClinVar (Variation ID: 2139467). This variant is only observed on five alleles in the Genome Aggregation Database (v2.1.1), indicating it is not a common polymorphism. Computational analyses are uncertain whether this variant is neutral or deleterious (REVEL: 0.237). Due to limited information, the clinical significance of this variant is uncertain at this time.

Labcorp Genetics (formerly Invitae), Labcorp
Classification: Uncertain significance for Glycogen storage disease, type VII. Last evaluated: 2022-10-17. Review status: criteria provided, single submitter. Criteria: Invitae Variant Classification Sherloc (09022015). Collection method: clinical testing. Allele origin: germline.
Comment: This sequence change replaces arginine, which is basic and polar, with glutamine, which is neutral and polar, at codon 772 of the PFKM protein (p.Arg772Gln). This variant is present in population databases (rs781161499, gnomAD 0.02%). This variant has not been reported in the literature in individuals affected with PFKM-related conditions. Algorithms developed to predict the effect of missense changes on protein structure and function (SIFT, PolyPhen-2, Align-GVGD) all suggest that this variant is likely to be tolerated. In summary, the available evidence is currently insufficient to determine the role of this variant in disease. Therefore, it has been classified as a Variant of Uncertain Significance.

NM_000289.6(PFKM):c.2315G>A (p.Arg772Gln)

Gene: PFKM (phosphofructokinase, muscle; plus strand). Cytogenetic location: 12q13.11.
Variant type: single nucleotide variant.
Coding change: c.2315G>A on transcript NM_000289.6 (MANE Select); coding-DNA position 2315, G replaced by A.
Protein change: p.Arg772Gln; replaces arginine 772 with glutamine.
Molecular consequence: missense variant. On other transcripts: non-coding transcript variant (6).
Genome position (GRCh38, 1-based): chr12:48,145,680, G>A. VCF-style: chr12-48145680-G-A. GRCh37 (hg19) VCF-style: chr12-48539463-G-A.
Other names: c.2315G>A (NM_000289.5); c.2528G>A, p.Arg843Gln (NM_001166686.2, NM_001354737.1, NM_001354738.1 and 1 more transcripts); c.2315G>A, p.Arg772Gln (NM_001166687.2, NM_001166688.2, NM_001354742.2 and 2 more transcripts); c.2624G>A, p.Arg875Gln (NM_001354735.1, NM_001354736.1); c.2459G>A, p.Arg820Gln (NM_001354740.1); c.2339G>A, p.Arg780Gln (NM_001354741.2); c.2228G>A, p.Arg743Gln (NM_001354745.2); c.2189G>A, p.Arg730Gln (NM_001354746.2); and 2 more; short protein forms R875Q, R730Q, R743Q, R780Q, R820Q, R722Q, R741Q, R843Q.
Identifiers: ClinVar variation 2139467 (VCV002139467.3), dbSNP rs781161499, ClinGen allele CA6537586.